The following is an entry in ClinVar:

NM_133510.4(RAD51B):c.573-300G>A

Gene: RAD51B (RAD51 paralog B; plus strand). Cytogenetic location: 14q24.1.
Variant type: single nucleotide variant.
Coding change: c.573-300G>A on transcript NM_133510.4 (MANE Select); 300 bases into the intron before coding-DNA position 573, G replaced by A.
Molecular consequence: intron variant.
Genome position (GRCh38, 1-based): chr14:67,886,721, G>A. VCF-style: chr14-67886721-G-A. GRCh37 (hg19) VCF-style: chr14-68353438-G-A.
Other names: c.573-300G>A (NM_001321818.2, NM_001321809.2, NM_001321821.2 and 6 more transcripts); c.216-300G>A (NM_001321817.2); c.459-300G>A (NM_001321815.1).
Identifiers: ClinVar variation 5038722 (VCV005038722.1).

ClinVar aggregate classification (germline): Likely benign (1 of 4 stars; one submission).

gnomAD v4.1: 1,208 of 268,004 alleles (0.45%); highest among the groups gnomAD compares: Middle Eastern, 0.99%; 5 homozygotes.

Submission:

CeGaT Center for Human Genetics Tuebingen
Classification: Likely benign. Last evaluated: 2026-09-01. Review status: criteria provided, single submitter. Criteria: CeGaT Center For Human Genetics Tuebingen Variant Classification Criteria Version 2. Collection method: clinical testing. Allele origin: germline. Affected: yes. Observed: 4 variant alleles.
Comment: RAD51B: BS2